The following is an entry in ClinVar:

ClinVar aggregate classification (germline): Likely benign. Review status: criteria provided, multiple submitters, no conflicts (2 of 4 stars). 2 submissions from 2 submitters: Likely benign (2). Last evaluated 2026-06-01.

Conditions:
LRRC32-related disorder. Also called: LRRC32-related condition.

Allele frequency attached by ClinVar (database versions not stated): 1000 Genomes Project 30x 0.00094; 1000 Genomes Project 0.00100; gnomAD 0.00217; TOPMed 0.00258; ExAC 0.00269; ESP Exome Variant Server 0.00377; gnomAD exomes 0.00390.
gnomAD v4.1: 5,970 of 1,614,152 alleles (0.37%); highest among the groups gnomAD compares: Non-Finnish European, 0.46%; 15 homozygotes.

Submissions (2):

CeGaT Center for Human Genetics Tuebingen
Classification: Likely benign. Last evaluated: 2026-06-01. Review status: criteria provided, single submitter. Criteria: CeGaT Center For Human Genetics Tuebingen Variant Classification Criteria Version 2. Collection method: clinical testing. Allele origin: germline. Affected: yes. Observed: 6 variant alleles.
Comment: LRRC32: BP4, BP7, BS2

PreventionGenetics, part of Exact Sciences
Classification: Likely benign for LRRC32-related condition. Last evaluated: 2025-11-02. Review status: criteria provided, single submitter. Criteria: ACMG Guidelines, 2015. Collection method: clinical testing. Allele origin: germline.
Comment: This variant is classified as likely benign based on ACMG/AMP sequence variant interpretation guidelines (Richards et al. 2015 PMID: 25741868, with internal and published modifications).

NM_001128922.2(LRRC32):c.573C>T (p.Gly191=)

Genes: LRRC32 (leucine rich repeat containing 32; minus strand), LRRC32-AS1 (LRRC32 antisense RNA 1; plus strand). Cytogenetic location: 11q13.5.
Variant type: single nucleotide variant.
Coding change: c.573C>T on transcript NM_001128922.2 (MANE Select); coding-DNA position 573, C replaced by T.
Protein change: p.Gly191=; no amino-acid change (glycine 191 retained).
Molecular consequence: synonymous variant. On other transcripts: non-coding transcript variant (1), intron variant (1).
Genome position (GRCh38, 1-based): chr11:76,661,020, G>A on the plus strand (C>T on the coding strand, the complement: LRRC32 is on the minus strand). VCF-style: chr11-76661020-G-A. GRCh37 (hg19) VCF-style: chr11-76372064-G-A.
Other names: c.573C>T, p.Gly191= (NM_001370187.1, NM_001370188.1, NM_005512.3); c.507C>T, p.Gly169= (NM_001370189.1); c.243C>T, p.Gly81= (NM_001370190.1); c.85-2986C>T (NM_001370191.1); c.573C>T (NM_005512.2).
Identifiers: ClinVar variation 2642172 (VCV002642172.25), dbSNP rs34672185, ClinGen allele CA6194819.
Genomic context (GRCh38, chr11:76,661,020, plus strand): 5'-GCAGGTGAGGGAATTCCTGGAGAGGTTGAGATGGGTCAGGCGGGGCAGACCCTCGAAGGC[G>A]CCATCCTCGATGTCCATCAGCACGTTGCTATGCAGGTCAAGCTGCTCCAGCGCAGGCATG-3'
Protein context (NP_001122394.1, residues 181-201): HSNVLMDIED[Gly191=]AFEGLPRLTH